The following is an entry in ClinVar:

ClinVar aggregate classification (germline): Uncertain significance. Review status: criteria provided, multiple submitters, no conflicts (2 of 4 stars). 2 submissions from 2 submitters: Uncertain significance (2). Last evaluated 2023-12-27.

Conditions:
COACH syndrome 2. Identifiers: MedGen C5436837, MONDO:0030859, OMIM 619111.
Meckel syndrome, type 6. Identifiers: Orphanet 564, MedGen C2676790, MONDO:0012848, OMIM 612284.
Retinitis pigmentosa 93. Identifiers: MedGen C5676970, MONDO:0030797, OMIM 619845.
Joubert syndrome 9 (JBTS9). Identifiers: Orphanet 2318, MedGen C2676788, MONDO:0012849, OMIM 612285.
Joubert syndrome. Also called: JOUBERT-BOLTSHAUSER SYNDROME; Familial aplasia of the vermis. Identifiers: Orphanet 475, MedGen C5979921, MONDO:0018772.
Meckel-Gruber syndrome. Also called: DYSENCEPHALIA SPLANCHNOCYSTICA; GRUBER SYNDROME; Dysencephalia splachnocystica. Identifiers: Orphanet 564, MedGen C0265215, MONDO:0018921.

Allele frequency attached by ClinVar (database versions not stated): gnomAD 0.00001; TOPMed 0.00001.

Submissions (2):

Fulgent Genetics
Classification: Uncertain significance for Meckel syndrome, type 6; Joubert syndrome 9; COACH syndrome 2; Retinitis pigmentosa 93. Last evaluated: 2023-12-27. Review status: criteria provided, single submitter. Criteria: ACMG Guidelines, 2015. Collection method: clinical testing. Allele origin: germline.

Labcorp Genetics (formerly Invitae), Labcorp
Classification: Uncertain significance for Joubert syndrome; Meckel-Gruber syndrome. Last evaluated: 2021-12-03. Review status: criteria provided, single submitter. Criteria: Invitae Variant Classification Sherloc (09022015). Collection method: clinical testing. Allele origin: germline.
Comment: This sequence change replaces serine, which is neutral and polar, with leucine, which is neutral and non-polar, at codon 1467 of the CC2D2A protein (p.Ser1467Leu). This variant is not present in population databases (gnomAD no frequency). This variant has not been reported in the literature in individuals affected with CC2D2A-related conditions. Advanced modeling of protein sequence and biophysical properties (such as structural, functional, and spatial information, amino acid conservation, physicochemical variation, residue mobility, and thermodynamic stability) performed at Invitae indicates that this missense variant is expected to disrupt CC2D2A protein function. In summary, the available evidence is currently insufficient to determine the role of this variant in disease. Therefore, it has been classified as a Variant of Uncertain Significance.

NM_001378615.1(CC2D2A):c.4400C>T (p.Ser1467Leu)

Genes: CC2D2A (coiled-coil and C2 domain containing 2A; plus strand), FBXL5 (F-box and leucine rich repeat protein 5; minus strand). Cytogenetic location: 4p15.32.
Variant type: single nucleotide variant.
Coding change: c.4400C>T on transcript NM_001378615.1 (MANE Select); coding-DNA position 4400, C replaced by T.
Protein change: p.Ser1467Leu; replaces serine 1467 with leucine.
Molecular consequence: missense variant.
Genome position (GRCh38, 1-based): chr4:15,596,170, C>T. VCF-style: chr4-15596170-C-T. GRCh37 (hg19) VCF-style: chr4-15597793-C-T.
Other names: c.4400C>T, p.Ser1467Leu (NM_001080522.2); c.4253C>T, p.Ser1418Leu (NM_001378617.1); short protein forms S1418L, S1467L.
Identifiers: ClinVar variation 1441263 (VCV001441263.4), dbSNP rs1041487733, ClinGen allele CA92534307.